The following is an entry in ClinVar:

NM_000238.4(KCNH2):c.3071A>G (p.Asn1024Ser)

Gene: KCNH2 (potassium voltage-gated channel subfamily H member 2; minus strand). Cytogenetic location: 7q36.1.
Variant type: single nucleotide variant.
Coding change: c.3071A>G on transcript NM_000238.4 (MANE Select); coding-DNA position 3071, A replaced by G.
Protein change: p.Asn1024Ser; replaces asparagine 1024 with serine.
Molecular consequence: missense variant.
Genome position (GRCh38, 1-based): chr7:150,947,409, T>C on the plus strand (A>G on the coding strand, the complement: KCNH2 is on the minus strand). VCF-style: chr7-150947409-T-C. GRCh37 (hg19) VCF-style: chr7-150644497-T-C.
Other names: c.2783A>G, p.Asn928Ser (NM_001406753.1); c.2051A>G, p.Asn684Ser (NM_172057.3); short protein forms N1024S, N684S, N928S.
Identifiers: ClinVar variation 2089083 (VCV002089083.5), dbSNP rs1800941870, ClinGen allele CA369852742.

ClinVar aggregate classification (germline): Uncertain significance. Review status: criteria provided, multiple submitters, no conflicts (2 of 4 stars). 2 submissions from 2 submitters: Uncertain significance (2). Last evaluated 2023-11-30.

Conditions:
Long QT syndrome (LQTS). Identifiers: MedGen C0023976, MeSH D008133, MONDO:0002442. Disease mechanism: loss of function. Inheritance: Various modes of inheritance.

Allele frequency attached by ClinVar (database versions not stated): TOPMed below 0.00001.

Submissions (2):

All of Us Research Program, National Institutes of Health
Classification: Uncertain significance for Long QT syndrome. Last evaluated: 2023-11-30. Review status: criteria provided, single submitter. Criteria: ACMG Guidelines, 2015. Collection method: clinical testing. Allele origin: germline. Inheritance: Autosomal dominant inheritance. Observed: 1 variant allele, 1 heterozygote.
Comment: This study involves interpretation of variants in research participants for the purpose of population health screening. Participant phenotype was not available at the time of variant classification. Additional details can be found in publication PMID: 35346344, PMCID: PMC8962531

Labcorp Genetics (formerly Invitae), Labcorp
Classification: Uncertain significance for Long QT syndrome. Last evaluated: 2022-05-08. Review status: criteria provided, single submitter. Criteria: Invitae Variant Classification Sherloc (09022015). Collection method: clinical testing. Allele origin: germline.
Comment: Algorithms developed to predict the effect of sequence changes on RNA splicing suggest that this variant may disrupt the consensus splice site. This variant has not been reported in the literature in individuals affected with KCNH2-related conditions. Algorithms developed to predict the effect of missense changes on protein structure and function (SIFT, PolyPhen-2, Align-GVGD) all suggest that this variant is likely to be tolerated. In summary, the available evidence is currently insufficient to determine the role of this variant in disease. Therefore, it has been classified as a Variant of Uncertain Significance. This sequence change replaces asparagine, which is neutral and polar, with serine, which is neutral and polar, at codon 1024 of the KCNH2 protein (p.Asn1024Ser). This variant is not present in population databases (gnomAD no frequency).